The following is an entry in ClinVar:

ClinVar aggregate classification (germline): Likely benign (0 of 4 stars; one submission).

Conditions:
DEFB128-related disorder. Also called: DEFB128-related condition.

Submission:

PreventionGenetics, part of Exact Sciences
Classification: Likely benign for DEFB128-related condition. Last evaluated: 2021-11-01. Review status: no assertion criteria provided. Collection method: clinical testing. Allele origin: germline.
Comment: This variant is classified as likely benign based on ACMG/AMP sequence variant interpretation guidelines (Richards et al. 2015 PMID: 25741868, with internal and published modifications).

NM_001037732.3(DEFB128):c.183dup (p.His62fs)

Gene: DEFB128 (defensin beta 128; minus strand). Cytogenetic location: 20p13.
Variant type: Duplication.
Coding change: c.183dup on transcript NM_001037732.3 (MANE Select); coding-DNA position 183, one base duplicated (A; older notation c.183dupA).
Protein change: p.His62fs; shifts the reading frame from histidine 62.
Molecular consequence: frameshift variant.
Genome position (GRCh38, 1-based): chr20:187,985, T duplicated on the plus strand (A on the coding strand, the reverse complement: DEFB128 is on the minus strand); the first of 6 consecutive T bases (chr20:187,985-187,990); duplicating any one gives the same sequence. VCF-style (leftmost placement, unchanged base first): chr20-187984-G-GT. GRCh37 (hg19) VCF-style: chr20-168625-G-GT.
Other names: short protein forms H62fs.
Identifiers: ClinVar variation 3057209 (VCV003057209.2), dbSNP rs11396059, ClinGen allele CA9721168.